The following is an entry in ClinVar:

NM_018941.4(CLN8):c.635G>A (p.Trp212Ter)

Gene: CLN8 (CLN8 transmembrane ER and ERGIC protein; plus strand). Cytogenetic location: 8p23.3.
Variant type: single nucleotide variant.
Coding change: c.635G>A on transcript NM_018941.4 (MANE Select); coding-DNA position 635, G replaced by A.
Protein change: p.Trp212Ter; replaces tryptophan 212 with a stop codon.
Molecular consequence: nonsense.
Genome position (GRCh38, 1-based): chr8:1,780,341, G>A. VCF-style: chr8-1780341-G-A. GRCh37 (hg19) VCF-style: chr8-1728507-G-A.
Other names: short protein forms W212*.
Identifiers: ClinVar variation 1415411 (VCV001415411.8), dbSNP rs2129015230, ClinGen allele CA369954001.
Genomic context (GRCh38, chr8:1,780,341, plus strand): 5'-TCAACCAGTGGCTGATGATTCACATGTTTCACTGCCGCATGGTTCTAACCTACCACATGT[G>A]GTGGGTGTGTTTCTGGCACTGGGACGGCCTGGTCAGCAGCCTGTATCTGCCTCATTTGAC-3'

ClinVar aggregate classification (germline): Pathogenic (1 of 4 stars; one submission).

Conditions:
Neuronal ceroid lipofuscinosis. Also called: Neuronal Ceroid Lipofuscinoses. Identifiers: Orphanet 216, Orphanet 79263, MedGen C0027877, MONDO:0016295. Disease mechanism: loss of function.

Submission:

Labcorp Genetics (formerly Invitae), Labcorp
Classification: Pathogenic for Neuronal ceroid lipofuscinosis. Last evaluated: 2023-06-09. Review status: criteria provided, single submitter. Criteria: Invitae Variant Classification Sherloc (09022015). Collection method: clinical testing. Allele origin: germline.
Comment: This variant has not been reported in the literature in individuals affected with CLN8-related conditions. ClinVar contains an entry for this variant (Variation ID: 1415411). This variant disrupts a region of the CLN8 protein in which other variant(s) (p.Val236Serfs*8) have been determined to be pathogenic (Invitae). This suggests that this is a clinically significant region of the protein, and that variants that disrupt it are likely to be disease-causing. For these reasons, this variant has been classified as Pathogenic. This sequence change creates a premature translational stop signal (p.Trp212*) in the CLN8 gene. While this is not anticipated to result in nonsense mediated decay, it is expected to disrupt the last 75 amino acid(s) of the CLN8 protein. This variant is not present in population databases (gnomAD no frequency).